The following is an entry in ClinVar:

NM_001903.5(CTNNA1):c.1899+3G>A

Gene: CTNNA1 (catenin alpha 1; plus strand). Cytogenetic location: 5q31.2.
Variant type: single nucleotide variant.
Coding change: c.1899+3G>A on transcript NM_001903.5 (MANE Select); 3 bases into the intron after coding-DNA position 1899, G replaced by A.
Molecular consequence: intron variant.
Genome position (GRCh38, 1-based): chr5:138,925,410, G>A. VCF-style: chr5-138925410-G-A. GRCh37 (hg19) VCF-style: chr5-138261099-G-A.
Other names: c.1899+3G>A (NM_001323982.2, NM_001323984.2, NM_001290307.3 and 2 more transcripts); c.1806+3G>A (NM_001323986.2); c.1530+3G>A (NM_001290310.3); c.1590+3G>A (NM_001290309.3); c.789+3G>A (NM_001323996.1, NM_001323993.1, NM_001324005.1 and 17 more transcripts); c.450+3G>A (NM_001324007.1, NM_001324009.1, NM_001324006.1 and 2 more transcripts); c.546+3G>A (NM_001324013.1, NM_001324012.1); c.696+3G>A (NM_001324011.1).
Identifiers: ClinVar variation 4724694 (VCV004724694.1).

ClinVar aggregate classification (germline): Uncertain significance (1 of 4 stars; one submission).

gnomAD v4.1: 1 of 1,613,152 alleles (0.000062%); highest among the groups gnomAD compares: Non-Finnish European, 0.000085%; no homozygotes.

Submission:

Labcorp Genetics (formerly Invitae), Labcorp
Classification: Uncertain significance. Last evaluated: 2025-08-03. Review status: criteria provided, single submitter. Criteria: Invitae Variant Classification Sherloc (09022015). Collection method: clinical testing. Allele origin: germline.
Comment: This sequence change falls in intron 13 of the CTNNA1 gene. It does not directly change the encoded amino acid sequence of the CTNNA1 protein. It affects a nucleotide within the consensus splice site. This variant is not present in population databases (gnomAD no frequency). This variant has not been reported in the literature in individuals affected with CTNNA1-related conditions. Variants that disrupt the consensus splice site are a relatively common cause of aberrant splicing (PMID: 17576681, 9536098). Algorithms developed to predict the effect of sequence changes on RNA splicing suggest that this variant is not likely to affect RNA splicing. In summary, the available evidence is currently insufficient to determine the role of this variant in disease. Therefore, it has been classified as a Variant of Uncertain Significance.

Literature cited by the submitters: PubMed 17576681; PubMed 9536098.